The following is an entry in ClinVar:

ClinVar aggregate classification (germline): Uncertain significance (1 of 4 stars; one submission).

Conditions:
Idiopathic generalized epilepsy. Also called: EIG; Generalised epilepsy. Identifiers: MedGen C0270850, MONDO:0005579, OMIM 600669.
Hyperaldosteronism, familial, type IV (HALD4). Also called: FH IV; ALDOSTERONISM, PRIMARY, AND HYPERTENSION. Identifiers: Orphanet 642671, MedGen C4310756, MONDO:0014875, OMIM 617027.

Allele frequency attached by ClinVar (database versions not stated): gnomAD exomes 0.00001.

Submission:

Labcorp Genetics (formerly Invitae), Labcorp
Classification: Uncertain significance for Idiopathic generalized epilepsy; Hyperaldosteronism, familial, type IV. Last evaluated: 2021-08-31. Review status: criteria provided, single submitter. Criteria: Invitae Variant Classification Sherloc (09022015). Collection method: clinical testing. Allele origin: germline.
Comment: This sequence change replaces leucine with phenylalanine at codon 1925 of the CACNA1H protein (p.Leu1925Phe). The leucine residue is moderately conserved and there is a small physicochemical difference between leucine and phenylalanine. This variant is not present in population databases (ExAC no frequency). This variant has not been reported in the literature in individuals affected with CACNA1H-related conditions. Algorithms developed to predict the effect of missense changes on protein structure and function are either unavailable or do not agree on the potential impact of this missense change (SIFT: "Tolerated"; PolyPhen-2: "Probably Damaging"; Align-GVGD: "Class C0"). In summary, the available evidence is currently insufficient to determine the role of this variant in disease. Therefore, it has been classified as a Variant of Uncertain Significance.

NM_021098.3(CACNA1H):c.5773C>T (p.Leu1925Phe)

Gene: CACNA1H (calcium voltage-gated channel subunit alpha1 H; plus strand). Cytogenetic location: 16p13.3.
Variant type: single nucleotide variant.
Coding change: c.5773C>T on transcript NM_021098.3 (MANE Select); coding-DNA position 5773, C replaced by T.
Protein change: p.Leu1925Phe; replaces leucine 1925 with phenylalanine.
Molecular consequence: missense variant.
Genome position (GRCh38, 1-based): chr16:1,218,537, C>T. VCF-style: chr16-1218537-C-T. GRCh37 (hg19) VCF-style: chr16-1268537-C-T.
Other names: c.5755C>T, p.Leu1919Phe (NM_001005407.2); short protein forms L1919F, L1925F.
Identifiers: ClinVar variation 934331 (VCV000934331.6), dbSNP rs1366597055, ClinGen allele CA394147866.